The following is an entry in ClinVar:

ClinVar aggregate classification (germline): Pathogenic. Review status: reviewed by expert panel (3 of 4 stars). 16 submissions from 16 submitters: Pathogenic (1). 15 of the submissions do not count toward it. Last evaluated 2024-02-20.

Conditions:
RPE65-related recessive retinopathy. Also called: Recessive RPE65 retinopathy. Identifiers: MedGen CN305526, MONDO:0100368.
Retinitis pigmentosa 87 with choroidal involvement. Identifiers: MedGen C5231465, MONDO:0032873, OMIM 618697.
Leber congenital amaurosis 2 (LCA2). Also called: Autosomal Recessive RPE65-Related Retinal Degeneration; AMAUROSIS CONGENITA OF LEBER II. Identifiers: Orphanet 65, MedGen C1859844, MONDO:0008765, OMIM 204100. Disease mechanism: loss of function.
Retinitis pigmentosa 20 (RP20). Identifiers: Orphanet 791, MedGen C3151086, MONDO:0013425, OMIM 613794.
Inborn genetic diseases. Identifiers: MedGen C0950123, MeSH D030342.
RPE65-related disorder. Also called: RPE65-related condition; RPE65-related disorders. Identifiers: MedGen CN239301.
Retinal dystrophy. Also called: Inherited retinal dystrophy. Identifiers: Orphanet 71862, MedGen C0854723, MeSH D058499, MONDO:0019118, HP:0000556.
Leber congenital amaurosis (LCA). Also called: Leber's amaurosis. Identifiers: Orphanet 65, MedGen C0339527, MeSH D057130, MONDO:0018998.
Retinitis pigmentosa (RP). Identifiers: Orphanet 791, MedGen C0035334, MeSH D012174, MONDO:0019200, OMIM 268000. Inheritance: Autosomal dominant, autosomal recessive and X linked inheritance.

Allele frequency attached by ClinVar (database versions not stated): gnomAD exomes 0.00002 and 0.00004; ExAC 0.00003; TOPMed 0.00012; ESP Exome Variant Server 0.00008; gnomAD 0.00010 and 0.00011.

Submissions 1 to 6 of 16:

ClinGen Leber Congenital Amaurosis/early Onset Retinal Dystrophy Variant Curation Expert Panel, ClinGen
Classification: Pathogenic for RPE65-related recessive retinopathy. Last evaluated: 2024-02-20. Review status: reviewed by expert panel. Criteria: ClinGen LCAeoRD ACMG Specifications RPE65 V1.0.0. Collection method: curation. Allele origin: germline. Inheritance: Autosomal recessive inheritance.
Comment: NM_000329.3(RPE65):c.272G>A (p.Arg91Gln) is a missense variant that replaces arginine with glutamine at position 91 in RPE65. At least one proband harboring this variant has been genotyped by next-generation sequencing analysis of 586 candidate genes without an alternative explanation for visual impairment (2 pts), with phenotypes including congenital onset (1 pt), abnormal best corrected visual acuity test (1 pt), extinguished scotopic (0.5 pts) and photopic (1 pt) electroretinogram responses, bone spicule pigmentation (0.5 pts), white or yellow dots in the fundus (2 pts), and nystagmus (1 pt), which together are highly specific for RPE65-related recessive retinopathy (9 points, PP4_Moderate). This variant has also been reported in at least 2 probands with early-onset severe retinal dystrophy who were compound heterozygous with either the c.1022T>C (p.Leu341Ser) variant or the c.370C>T (p.Arg124Ter) variant suspected in trans (1 point, PMID: 32865313, PMID: 27102010), both of which were previously classified pathogenic by the ClinGen LCA / eoRD VCEP. This variant has also been reported in the homozygous state in at least 2 probands with early-onset severe retinal dystrophy (1 point, PMID: 32865313, PMID: 34492281; 2 total points, PM3_Strong). The variant has been reported to segregate with childhood-onset severe retinal dystrophy through a proband plus 1 similarly affected relative, both of whom harbor the variant present in the compound heterozygous state with the c.725+4A>G variant confirmed in trans (PP1; PMID: 11462243). This variant is present in gnomAD v.2.1.1 at a Grpmax allele frequency of 0.0001609, with 8 alleles / 24940 total alleles in the African / African-American population, which is lower than the ClinGen LCA / eoRD VCEP PM2_Supporting threshold of <0.0002 (PM2_Supporting). The computational predictor REVEL gives a score of 0.659, which is above the ClinGen LCA / eoRD VCEP threshold of >= 0.644 and predicts a damaging effect on RPE65 function (PP3). The variant also exhibited 1.33% enzymatic activity in a retinoid isomerase assay relative to the wild-type control, which is lower than the ClinGen LCA / eoRD PS3_Supporting threshold of <10% activity, indicating that it triggers a severe defect in protein function (PS3_Supporting, Table 2, PMID: 19431183). Two other missense variants encoding different amino acid substitutions at the same codon have been reported in association with RPE65-related recessive retinopathy (PMID: 17724218, PMID: 9501220). However, c.271C>T (p.Arg91Trp) and c.272G>C (p.Arg91Pro) have not yet been classified by the ClinGen LCA / eoRD VCEP, and PM5 was not considered to avoid circularity. In summary, this variant meets the criteria to be classified as pathogenic for RPE65-related recessive retinopathy based on the ACMG/AMP criteria applied, as specified by the ClinGen LCA/eoRD VCEP: PS3_Supporting, PM2_Supporting, PM3_Strong, PP1, PP3, PP4_Moderate (VCEP specifications version 1.0.0; date of approval 09/21/2023).

PreventionGenetics, part of Exact Sciences
Classification: Pathogenic for RPE65-related condition. Last evaluated: 2026-04-16. Review status: criteria provided, single submitter. Criteria: ACMG Guidelines, 2015. Collection method: clinical testing. Allele origin: germline. Not counted in ClinVar's aggregate classification.
Comment: The RPE65 c.272G>A variant is predicted to result in the amino acid substitution p.Arg91Gln. This variant has been reported, in the homozygous state or in the heterozygous state with a second potentially causative variant in the same gene, in individuals with retinal disease (see for example: Thompson et al. 2000. PubMed ID: 11095629; supplementary data, Huang et al. 2014. PubMed ID: 25356976; Chung et al. 2018. PubMed ID: 30268864; Zhong et al. 2019. PubMed ID: 30996589; supplementary data, Lin et al. 2024. PubMed ID: 38219857). In vitro functional studies indicate that this change impairs RPE65 activity (Philp et al. 2009. PubMed ID: 19431183). This variant is reported in 0.032% of alleles in individuals of African descent in gnomAD. This variant has been classified as pathogenic by the ClinGen Leber Congenital Amaurosis/early Onset Retinal Dystrophy Variant Curation Expert Panel (Variation ID: 98857). This variant is interpreted as pathogenic for autosomal recessive RPE65-related disorders.

Labcorp Genetics (formerly Invitae), Labcorp
Classification: Pathogenic for Leber congenital amaurosis 2; Retinitis pigmentosa 20. Last evaluated: 2026-01-28. Review status: criteria provided, single submitter. Criteria: Invitae Variant Classification Sherloc (09022015). Collection method: clinical testing. Allele origin: germline. Not counted in ClinVar's aggregate classification.
Comment: This sequence change replaces arginine, which is basic and polar, with glutamine, which is neutral and polar, at codon 91 of the RPE65 protein (p.Arg91Gln). This variant is present in population databases (rs61752873, gnomAD 0.03%). This missense change has been observed in individuals with Leber congenital amaurosis or retinitis pigmentosa (PMID: 11462243, 17197551, 18539930, 20079931, 25356976, 26656277, 30268864). It has also been observed to segregate with disease in related individuals. ClinVar contains an entry for this variant (Variation ID: 98857). Invitae Evidence Modeling of protein sequence and biophysical properties (such as structural, functional, and spatial information, amino acid conservation, physicochemical variation, residue mobility, and thermodynamic stability) indicates that this missense variant is not expected to disrupt RPE65 protein function with a negative predictive value of 80%. Experimental studies have shown that this missense change affects RPE65 function (PMID: 19431183). This variant disrupts the p.Arg91 amino acid residue in RPE65. Other variant(s) that disrupt this residue have been determined to be pathogenic (PMID: 9501220, 10766140, 10937591, 11095629, 16754667, 18682808, 25752820). This suggests that this residue is clinically significant, and that variants that disrupt this residue are likely to be disease-causing. For these reasons, this variant has been classified as Pathogenic.

Research Institute for Ophthalmology and Vision Science, Shahid Beheshti University of Medical Sciences
Classification: Pathogenic for Retinitis pigmentosa 20. Last evaluated: 2025-12-16. Review status: criteria provided, single submitter. Criteria: ACMG Guidelines, 2015. Collection method: research. Allele origin: inherited. Inheritance: Autosomal recessive inheritance. Affected: yes. Not counted in ClinVar's aggregate classification.
Comment: NM_000329.3(RPE65):c.272G>A has a very low frequency in gnomAD databases. It has been identified in a homozygous state in patients and co-segregates with the disease in affected family members. Computational prediction tools classify it as deleterious. RPE65 also shows a low rate of benign missense mutations. Different amino acid changes at this residue are known to be pathogenic. The variant is located in an exonic hotspot.

First Genomix Gene Laboratory, Genetic Diagnostics Department
Classification: Pathogenic for Leber congenital amaurosis 2; Retinitis pigmentosa 20. Last evaluated: 2025-01-10. Review status: criteria provided, single submitter. Criteria: ACMG Guidelines, 2015. Collection method: clinical testing. Allele origin: germline. Inheritance: Autosomal recessive inheritance. Affected: no. Observed: 1 variant allele. Not counted in ClinVar's aggregate classification.

Lab De Baere, Eye and Developmental Genetics Lab, Ghent University
Classification: Pathogenic for Leber congenital amaurosis. Last evaluated: 2024-10-01. Review status: criteria provided, single submitter. Criteria: ACMG Guidelines, 2015. Collection method: research. Allele origin: inherited. Affected: yes. Observed: 1 variant allele. Not counted in ClinVar's aggregate classification.
Comment: ACMG/AMP guidelines: PM2, PM5, PS3, PP1, PM3_2

NM_000329.3(RPE65):c.272G>A (p.Arg91Gln)

Gene: RPE65 (retinoid isomerohydrolase RPE65; minus strand). Cytogenetic location: 1p31.3.
Variant type: single nucleotide variant.
Coding change: c.272G>A on transcript NM_000329.3 (MANE Select); coding-DNA position 272, G replaced by A.
Protein change: p.Arg91Gln; replaces arginine 91 with glutamine.
Molecular consequence: missense variant.
Genome position (GRCh38, 1-based): chr1:68,444,857, C>T on the plus strand (G>A on the coding strand, the complement: RPE65 is on the minus strand). VCF-style: chr1-68444857-C-T. GRCh37 (hg19) VCF-style: chr1-68910540-C-T.
Other names: NM_000329.3(RPE65):c.272G>A; short protein forms R91Q.
Identifiers: ClinVar variation 98857 (VCV000098857.27), dbSNP rs61752873, ClinGen allele CA226533.